The following is an entry in ClinVar:

ClinVar aggregate classification (germline): Benign/Likely benign. Review status: criteria provided, multiple submitters, no conflicts (2 of 4 stars). 3 submissions from 3 submitters: Benign (1); Likely benign (2). Last evaluated 2025-03-04.

Conditions:
Hereditary cancer-predisposing syndrome. Also called: Neoplastic Syndromes, Hereditary; Hereditary Cancer Syndrome; Hereditary neoplastic syndrome; Tumor predisposition. Identifiers: Orphanet 140162, MedGen C0027672, MeSH D009386, MONDO:0015356.
BAP1-related tumor predisposition syndrome (TPDS1). Also called: COMMON Syndrome; TUMOR PREDISPOSITION SYNDROME 1; BAP1 tumor predisposition syndrome; Tumor susceptibility linked to germline BAP1 mutations. Identifiers: Orphanet 289539, MedGen C3280492, MONDO:0013692, OMIM 614327.

Submissions (3):

Labcorp Genetics (formerly Invitae), Labcorp
Classification: Likely benign for BAP1-related tumor predisposition syndrome. Last evaluated: 2025-03-04. Review status: criteria provided, single submitter. Criteria: Invitae Variant Classification Sherloc (09022015). Collection method: clinical testing. Allele origin: germline.

Myriad Genetics, Inc.
Classification: Benign for BAP1-related tumor predisposition syndrome. Last evaluated: 2024-07-15. Review status: criteria provided, single submitter. Criteria: Myriad Autosomal Dominant, Autosomal Recessive and X-Linked Classification Criteria (2023). Collection method: clinical testing. Allele origin: unknown.
Comment: This variant is considered benign. This variant is a silent/synonymous amino acid change and it is not expected to impact splicing.

Ambry Genetics
Classification: Likely benign for Hereditary cancer-predisposing syndrome. Last evaluated: 2023-04-06. Review status: criteria provided, single submitter. Criteria: Ambry Variant Classification Scheme 2023. Collection method: clinical testing. Allele origin: germline.

NM_004656.4(BAP1):c.1149C>T (p.Arg383=)

Gene: BAP1 (BRCA1 associated deubiquitinase 1; minus strand). Cytogenetic location: 3p21.1.
Variant type: single nucleotide variant.
Coding change: c.1149C>T on transcript NM_004656.4 (MANE Select); coding-DNA position 1149, C replaced by T.
Protein change: p.Arg383=; no amino-acid change (arginine 383 retained).
Molecular consequence: synonymous variant.
Genome position (GRCh38, 1-based): chr3:52,404,554, G>A on the plus strand (C>T on the coding strand, the complement: BAP1 is on the minus strand). VCF-style: chr3-52404554-G-A. GRCh37 (hg19) VCF-style: chr3-52438570-G-A.
Other names: c.1095C>T, p.Arg365= (NM_001410772.1).
Identifiers: ClinVar variation 2565165 (VCV002565165.6), dbSNP rs2153226880, ClinGen allele CA433774096.